The following is an entry in ClinVar:

ClinVar aggregate classification (germline): Uncertain significance (1 of 4 stars; one submission).

Conditions:
X-linked severe congenital neutropenia (SCNX). Identifiers: Orphanet 86788, MedGen C1845987, MONDO:0010294, OMIM 300299.
Thrombocytopenia 1. Also called: THROMBOCYTOPENIA, X-LINKED, 1; X-linked thrombocytopenia with normal platelets; X-Linked Thrombocytopenia (XLT). Identifiers: Orphanet 268322, Orphanet 852, MedGen C1839163, MONDO:0010743, OMIM 313900.
Wiskott-Aldrich syndrome (WAS). Also called: Wiskott-aldrich syndrome, somatic; ALDRICH SYNDROME; IMMUNODEFICIENCY 2; WISKOTT-ALDRICH SYNDROME 1. Identifiers: Orphanet 906, MedGen C0043194, MONDO:0010518, OMIM 301000.

Submission:

Labcorp Genetics (formerly Invitae), Labcorp
Classification: Uncertain significance for Wiskott-Aldrich syndrome; X-linked severe congenital neutropenia; Thrombocytopenia 1. Last evaluated: 2021-06-05. Review status: criteria provided, single submitter. Criteria: Invitae Variant Classification Sherloc (09022015). Collection method: clinical testing. Allele origin: germline.
Comment: This sequence change replaces aspartic acid with asparagine at codon 201 of the WAS protein (p.Asp201Asn). The aspartic acid residue is moderately conserved and there is a small physicochemical difference between aspartic acid and asparagine. This variant is not present in population databases (ExAC no frequency). This variant has not been reported in the literature in individuals with WAS-related conditions. Algorithms developed to predict the effect of missense changes on protein structure and function are either unavailable or do not agree on the potential impact of this missense change (SIFT: "Not Available"; PolyPhen-2: "Benign"; Align-GVGD: "Not Available"). In summary, the available evidence is currently insufficient to determine the role of this variant in disease. Therefore, it has been classified as a Variant of Uncertain Significance.

NM_000377.3(WAS):c.601G>A (p.Asp201Asn)

Gene: WAS (WASP actin nucleation promoting factor; plus strand). Cytogenetic location: Xp11.23.
Variant type: single nucleotide variant.
Coding change: c.601G>A on transcript NM_000377.3 (MANE Select); coding-DNA position 601, G replaced by A.
Protein change: p.Asp201Asn; replaces aspartic acid 201 with asparagine.
Molecular consequence: missense variant.
Genome position (GRCh38, 1-based): chrX:48,686,822, G>A. VCF-style: chrX-48686822-G-A. GRCh37 (hg19) VCF-style: chrX-48545211-G-A.
Other names: short protein forms D201N.
Identifiers: ClinVar variation 1466023 (VCV001466023.8), dbSNP rs2147264847, ClinGen allele CA412870140.